The following is an entry in ClinVar:

NM_001042492.3(NF1):c.998dup (p.Tyr333Ter)

Gene: NF1 (neurofibromin 1; plus strand). Cytogenetic location: 17q11.2.
Variant type: Duplication.
Coding change: c.998dup on transcript NM_001042492.3 (MANE Select); coding-DNA position 998, one base duplicated (A; older notation c.998dupA).
Protein change: p.Tyr333Ter; replaces tyrosine 333 with a stop codon.
Molecular consequence: nonsense. On other transcripts: frameshift variant (1).
Genome position (GRCh38, 1-based): chr17:31,200,531, A duplicated. VCF-style (leftmost placement, unchanged base first): chr17-31200530-T-TA. GRCh37 (hg19) VCF-style: chr17-29527548-T-TA.
Other names: c.998dupA (NM_000267.3); c.998dup, p.Tyr333Terfs (NM_000267.4); c.998dup, p.Tyr333Ter (NM_001128147.3); short protein forms Y333*.
Identifiers: ClinVar variation 850603 (VCV000850603.11), dbSNP rs2066508538, ClinGen allele CA658760982.

ClinVar aggregate classification (germline): Pathogenic. Review status: criteria provided, multiple submitters, no conflicts (2 of 4 stars). 4 submissions from 4 submitters: Pathogenic (4). Last evaluated 2025-09-30.

Conditions:
Cardiovascular phenotype. Identifiers: MedGen CN230736.
Hereditary cancer-predisposing syndrome. Also called: Neoplastic Syndromes, Hereditary; Hereditary Cancer Syndrome; Hereditary neoplastic syndrome; Tumor predisposition. Identifiers: Orphanet 140162, MedGen C0027672, MeSH D009386, MONDO:0015356.
Neurofibromatosis, type 1 (NF1). Also called: Neurofibromatosis, type I; VON RECKLINGHAUSEN DISEASE; Peripheral type neurofibromatosis; NEUROFIBROMATOSIS, TYPE I, SOMATIC. Identifiers: Orphanet 636, MedGen C0027831, MONDO:0018975, OMIM 162200. Disease mechanism: loss of function.

Submissions (4):

Ambry Genetics
Classification: Pathogenic for Cardiovascular phenotype; Hereditary cancer-predisposing syndrome. Last evaluated: 2025-09-30. Review status: criteria provided, single submitter. Criteria: Ambry Variant Classification Scheme 2023. Collection method: clinical testing. Allele origin: germline.
Comment: The c.998dupA pathogenic mutation, located in coding exon 9 of the NF1 gene, results from a duplication of A at nucleotide position 998, causing a translational frameshift with a predicted alternate stop codon (p.Y333*). This alteration has been seen in multiple patients with either clinical diagnosis of or suspicion of neurofibromatosis type 1 (Ars E et al. J Med Genet, 2003 Jun;40:e82; Sabbagh A et al. Hum Mutat, 2013 Nov;34:1510-8; Paulo P et al. J Mol Diagn, 2017 07;19:502-513; Banerjee S et al. Oncotarget, 2017 Jun;8:39695-39702). This variant is considered to be rare based on population cohorts in the Genome Aggregation Database (gnomAD). This alteration is expected to result in loss of function by premature protein truncation or nonsense-mediated mRNA decay. As such, this alteration is interpreted as a disease-causing mutation.

Labcorp Genetics (formerly Invitae), Labcorp
Classification: Pathogenic for Neurofibromatosis, type 1. Last evaluated: 2025-03-07. Review status: criteria provided, single submitter. Criteria: Invitae Variant Classification Sherloc (09022015). Collection method: clinical testing. Allele origin: germline.
Comment: This sequence change creates a premature translational stop signal (p.Tyr333*) in the NF1 gene. It is expected to result in an absent or disrupted protein product. Loss-of-function variants in NF1 are known to be pathogenic (PMID: 10712197, 23913538). This variant is not present in population databases (gnomAD no frequency). This premature translational stop signal has been observed in individual(s) with neurofibromatosis type 1 (PMID: 12807981, 27980226, 28529006). This variant is also known as 998insA. ClinVar contains an entry for this variant (Variation ID: 850603). Algorithms developed to predict the effect of sequence changes on RNA splicing suggest that this variant may disrupt the consensus splice site. For these reasons, this variant has been classified as Pathogenic.

Institute of Medical Genetics and Applied Genomics, University Hospital Tübingen
Classification: Pathogenic for Neurofibromatosis, type 1. Last evaluated: 2024-11-26. Review status: criteria provided, single submitter. Criteria: ACMG Guidelines, 2015. Collection method: clinical testing. Allele origin: germline. Inheritance: Autosomal dominant inheritance. Affected: yes.

GeneDx
Classification: Pathogenic. Last evaluated: 2024-02-12. Review status: criteria provided, single submitter. Criteria: GeneDx Variant Classification Process June 2021. Collection method: clinical testing. Allele origin: germline. Affected: yes.
Comment: Nonsense variant predicted to result in protein truncation or nonsense mediated decay in a gene for which loss-of-function is a known mechanism of disease; Not observed in large population cohorts (gnomAD); This variant is associated with the following publications: (PMID: 15146469, 12807981, 28529006, 29685074, 27838393, 27980226)

Literature cited by the submitters: PubMed 12807981 (cited by Ambry Genetics and Labcorp Genetics (formerly Invitae), Labcorp); PubMed 23913538 (cited by Ambry Genetics and Labcorp Genetics (formerly Invitae), Labcorp); PubMed 27980226 (cited by Ambry Genetics and Labcorp Genetics (formerly Invitae), Labcorp); PubMed 28529006 (cited by Ambry Genetics and Labcorp Genetics (formerly Invitae), Labcorp); PubMed 10712197 (cited by Labcorp Genetics (formerly Invitae), Labcorp).